The following is an entry in ClinVar:

ClinVar aggregate classification (germline): Uncertain significance (1 of 4 stars; one submission).

Conditions:
Hereditary spastic paraplegia 3A (SPG3A). Also called: Spastic paraplegia 3A, autosomal dominant; SPASTIC PARAPLEGIA 3, AUTOSOMAL DOMINANT; FAMILIAL SPASTIC PARAPLEGIA, AUTOSOMAL DOMINANT, 1; SPG3; STRUMPELL DISEASE; Spastic Paraplegia 3A. Identifiers: Orphanet 100984, MedGen C2931355, MONDO:0008437, OMIM 182600.

Submission:

Labcorp Genetics (formerly Invitae), Labcorp
Classification: Uncertain significance for Hereditary spastic paraplegia 3A. Last evaluated: 2024-08-21. Review status: criteria provided, single submitter. Criteria: Invitae Variant Classification Sherloc (09022015). Collection method: clinical testing. Allele origin: germline.
Comment: This sequence change replaces methionine, which is neutral and non-polar, with leucine, which is neutral and non-polar, at codon 479 of the ATL1 protein (p.Met479Leu). This variant is not present in population databases (gnomAD no frequency). This variant has not been reported in the literature in individuals affected with ATL1-related conditions. Invitae Evidence Modeling of protein sequence and biophysical properties (such as structural, functional, and spatial information, amino acid conservation, physicochemical variation, residue mobility, and thermodynamic stability) indicates that this missense variant is not expected to disrupt ATL1 protein function with a negative predictive value of 80%. In summary, the available evidence is currently insufficient to determine the role of this variant in disease. Therefore, it has been classified as a Variant of Uncertain Significance.

NM_015915.5(ATL1):c.1435A>T (p.Met479Leu)

Gene: ATL1 (atlastin GTPase 1; plus strand). Cytogenetic location: 14q22.1.
Variant type: single nucleotide variant.
Coding change: c.1435A>T on transcript NM_015915.5 (MANE Select); coding-DNA position 1435, A replaced by T.
Protein change: p.Met479Leu; replaces methionine 479 with leucine.
Molecular consequence: missense variant.
Genome position (GRCh38, 1-based): chr14:50,628,346, A>T. VCF-style: chr14-50628346-A-T. GRCh37 (hg19) VCF-style: chr14-51095064-A-T.
Other names: c.1435A>T, p.Met479Leu (NM_001127713.1, NM_181598.4); short protein forms M479L.
Identifiers: ClinVar variation 3651459 (VCV003651459.2).